The following is an entry in ClinVar:

ClinVar aggregate classification (germline): Uncertain significance (1 of 4 stars; one submission).

Allele frequency attached by ClinVar (database versions not stated): gnomAD 0.00003; gnomAD exomes 0.00003; TOPMed 0.00003; ExAC 0.00005.

Submission:

Labcorp Genetics (formerly Invitae), Labcorp
Classification: Uncertain significance. Last evaluated: 2025-04-16. Review status: criteria provided, single submitter. Criteria: Invitae Variant Classification Sherloc (09022015). Collection method: clinical testing. Allele origin: germline.
Comment: This sequence change replaces arginine, which is basic and polar, with glutamine, which is neutral and polar, at codon 156 of the PEX11B protein (p.Arg156Gln). This variant is present in population databases (rs782626087, gnomAD 0.005%). This variant has not been reported in the literature in individuals affected with PEX11B-related conditions. ClinVar contains an entry for this variant (Variation ID: 1915769). An algorithm developed to predict the effect of missense changes on protein structure and function (PolyPhen-2) suggests that this variant is likely to be tolerated. In summary, the available evidence is currently insufficient to determine the role of this variant in disease. Therefore, it has been classified as a Variant of Uncertain Significance.

NM_003846.3(PEX11B):c.467G>A (p.Arg156Gln)

Gene: PEX11B (peroxisomal biogenesis factor 11 beta; minus strand). Cytogenetic location: 1q21.1.
Variant type: single nucleotide variant.
Coding change: c.467G>A on transcript NM_003846.3 (MANE Select); coding-DNA position 467, G replaced by A.
Protein change: p.Arg156Gln; replaces arginine 156 with glutamine.
Molecular consequence: missense variant. On other transcripts: non-coding transcript variant (3).
Genome position (GRCh38, 1-based): chr1:145,912,474, C>T on the plus strand (G>A on the coding strand, the complement: PEX11B is on the minus strand). VCF-style: chr1-145912474-C-T. GRCh37 (hg19) VCF-style: chr1-145522606-G-A.
Other names: c.425G>A, p.Arg142Gln (NM_001184795.1); short protein forms R142Q, R156Q.
Identifiers: ClinVar variation 1915769 (VCV001915769.4), dbSNP rs782626087, ClinGen allele CA1055612.